The following is an entry in ClinVar:

NM_016507.4(CDK12):c.3601A>G (p.Ser1201Gly)

Gene: CDK12 (cyclin dependent kinase 12; plus strand). Cytogenetic location: 17q12.
Variant type: single nucleotide variant.
Coding change: c.3601A>G on transcript NM_016507.4 (MANE Select); coding-DNA position 3601, A replaced by G.
Protein change: p.Ser1201Gly; replaces serine 1201 with glycine.
Molecular consequence: missense variant.
Genome position (GRCh38, 1-based): chr17:39,526,157, A>G. VCF-style: chr17-39526157-A-G. GRCh37 (hg19) VCF-style: chr17-37682410-A-G.
Other names: c.3601A>G, p.Ser1201Gly (NM_015083.4); short protein forms S1201G.
Identifiers: ClinVar variation 3830536 (VCV003830536.1).

ClinVar aggregate classification (germline): Uncertain significance (1 of 4 stars; one submission).

gnomAD v4.1: 8 of 1,614,090 alleles (0.0005%); highest among the groups gnomAD compares: African/African-American, 0.0093%; no homozygotes.

Submission:

Ambry Genetics
Classification: Uncertain significance. Last evaluated: 2025-01-19. Review status: criteria provided, single submitter. Criteria: Ambry Variant Classification Scheme 2023. Collection method: clinical testing. Allele origin: germline.
Comment: The p.S1201G variant (also known as c.3601A>G), located in coding exon 13 of the CDK12 gene, results from an A to G substitution at nucleotide position 3601. The serine at codon 1201 is replaced by glycine, an amino acid with similar properties. This amino acid position is conserved. In addition, this alteration is predicted to be tolerated by in silico analysis. Based on the available evidence, the clinical significance of this variant remains unclear.